The following is an entry in ClinVar:

NM_212482.4(FN1):c.3785C>T (p.Thr1262Ile)

Gene: FN1 (fibronectin 1; minus strand). Cytogenetic location: 2q35.
Variant type: single nucleotide variant.
Coding change: c.3785C>T on transcript NM_212482.4 (MANE Select); coding-DNA position 3785, C replaced by T.
Protein change: p.Thr1262Ile; replaces threonine 1262 with isoleucine.
Molecular consequence: missense variant.
Genome position (GRCh38, 1-based): chr2:215,394,539, G>A on the plus strand (C>T on the coding strand, the complement: FN1 is on the minus strand). VCF-style: chr2-215394539-G-A. GRCh37 (hg19) VCF-style: chr2-216259262-G-A.
Other names: c.3785C>T, p.Thr1262Ile (NM_212474.3, NM_212476.3, NM_212478.3 and 13 more transcripts); c.3785C>T (NM_212482.2); short protein forms T1262I.
Identifiers: ClinVar variation 4959722 (VCV004959722.2).

ClinVar aggregate classification (germline): Uncertain significance. Review status: criteria provided, multiple submitters, no conflicts (2 of 4 stars). 2 submissions from 2 submitters: Uncertain significance (2). Last evaluated 2024-11-19.

Conditions:
FN1-related disorder. Also called: FN1-related condition.

gnomAD v4.1: 8 of 1,612,642 alleles (0.0005%); highest among the groups gnomAD compares: Middle Eastern, 0.017%; no homozygotes.

Submissions (2):

PreventionGenetics, part of Exact Sciences
Classification: Uncertain significance for FN1-related condition. Last evaluated: 2024-11-19. Review status: criteria provided, single submitter. Criteria: ACMG Guidelines, 2015. Collection method: clinical testing. Allele origin: germline.
Comment: The FN1 c.3785C>T variant is predicted to result in the amino acid substitution p.Thr1262Ile. To our knowledge, this variant has not been reported in the literature. This variant is reported in 0.0% of alleles in individuals of African descent in gnomAD. At this time, the clinical significance of this variant is uncertain due to the absence of conclusive functional and genetic evidence.

Blueprint Genetics
Classification: Uncertain significance. Last evaluated: 2024-07-11. Review status: criteria provided, single submitter. Criteria: ACMG Guidelines, 2015. Collection method: clinical testing. Allele origin: germline.